The following is an entry in ClinVar:

NM_170606.3(KMT2C):c.7174C>G (p.Leu2392Val)

Gene: KMT2C (lysine methyltransferase 2C; minus strand). Cytogenetic location: 7q36.1.
Variant type: single nucleotide variant.
Coding change: c.7174C>G on transcript NM_170606.3 (MANE Select); coding-DNA position 7174, C replaced by G.
Protein change: p.Leu2392Val; replaces leucine 2392 with valine.
Molecular consequence: missense variant.
Genome position (GRCh38, 1-based): chr7:152,180,102, G>C on the plus strand (C>G on the coding strand, the complement: KMT2C is on the minus strand). VCF-style: chr7-152180102-G-C. GRCh37 (hg19) VCF-style: chr7-151877187-G-C.
Other names: short protein forms L2392V.
Identifiers: ClinVar variation 2502085 (VCV002502085.2), dbSNP rs758744975, ClinGen allele CA370089499.

ClinVar aggregate classification (germline): Uncertain significance (1 of 4 stars; one submission).

Submission:

GeneDx
Classification: Uncertain significance. Last evaluated: 2023-07-05. Review status: criteria provided, single submitter. Criteria: GeneDx Variant Classification Process June 2021. Collection method: clinical testing. Allele origin: germline.
Comment: Not observed at significant frequency in large population cohorts (gnomAD); In silico analysis supports that this missense variant has a deleterious effect on protein structure/function; Has not been previously published as pathogenic or benign to our knowledge